The following is an entry in ClinVar:

ClinVar aggregate classification (germline): Uncertain significance (1 of 4 stars; one submission).

Allele frequency attached by ClinVar (database versions not stated): gnomAD 0.00001; TOPMed 0.00001.
gnomAD v4.1: 61 of 1,614,018 alleles (0.0038%); highest among the groups gnomAD compares: Non-Finnish European, 0.005%; no homozygotes.

Submission:

Labcorp Genetics (formerly Invitae), Labcorp
Classification: Uncertain significance. Last evaluated: 2024-10-25. Review status: criteria provided, single submitter. Criteria: Invitae Variant Classification Sherloc (09022015). Collection method: clinical testing. Allele origin: germline.
Comment: This sequence change replaces proline, which is neutral and non-polar, with histidine, which is basic and polar, at codon 548 of the LOXL3 protein (p.Pro548His). This variant is present in population databases (no rsID available, gnomAD 0.0009%). This variant has not been reported in the literature in individuals affected with LOXL3-related conditions. ClinVar contains an entry for this variant (Variation ID: 1936212). An algorithm developed to predict the effect of missense changes on protein structure and function (PolyPhen-2) suggests that this variant is likely to be disruptive. In summary, the available evidence is currently insufficient to determine the role of this variant in disease. Therefore, it has been classified as a Variant of Uncertain Significance.

NM_032603.5(LOXL3):c.1643C>A (p.Pro548His)

Gene: LOXL3 (lysyl oxidase like 3; minus strand). Cytogenetic location: 2p13.1.
Variant type: single nucleotide variant.
Coding change: c.1643C>A on transcript NM_032603.5 (MANE Select); coding-DNA position 1643, C replaced by A.
Protein change: p.Pro548His; replaces proline 548 with histidine.
Molecular consequence: missense variant.
Genome position (GRCh38, 1-based): chr2:74,534,711, G>T on the plus strand (C>A on the coding strand, the complement: LOXL3 is on the minus strand). VCF-style: chr2-74534711-G-T. GRCh37 (hg19) VCF-style: chr2-74761838-G-T.
Other names: c.1208C>A, p.Pro403His (NM_001289164.3); c.560C>A, p.Pro187His (NM_001289165.2); short protein forms P187H, P403H, P548H.
Identifiers: ClinVar variation 1936212 (VCV001936212.3), dbSNP rs1379854381, ClinGen allele CA347386321.